The following is an entry in ClinVar:

ClinVar aggregate classification (germline): Benign/Likely benign. Review status: criteria provided, multiple submitters, no conflicts (2 of 4 stars). 5 submissions from 5 submitters: Benign (1); Likely benign (4). Last evaluated 2025-09-03.

Conditions:
Hereditary cancer-predisposing syndrome. Also called: Neoplastic Syndromes, Hereditary; Tumor predisposition; Hereditary Cancer Syndrome; Hereditary neoplastic syndrome. Identifiers: Orphanet 140162, MedGen C0027672, MeSH D009386, MONDO:0015356.
Familial adenomatous polyposis 1 (FAP1). Also called: FAMILIAL ADENOMATOUS POLYPOSIS 1, ATTENUATED; POLYPOSIS, ADENOMATOUS INTESTINAL. Identifiers: MedGen C2713442, MONDO:0021056, OMIM 175100. Disease mechanism: loss of function.
Classic or attenuated familial adenomatous polyposis. Identifiers: MedGen CN372698, MONDO:0021057.

Allele frequency attached by ClinVar (database versions not stated): gnomAD exomes below 0.00001 and 0.00001; gnomAD 0.00001; ExAC 0.00002; 1000 Genomes Project 0.00020; 1000 Genomes Project 30x 0.00031.
gnomAD v4.1: 2 of 1,614,000 alleles (0.00012%); highest among the groups gnomAD compares: East Asian, 0.0045%; no homozygotes.

Submissions (5):

Labcorp Genetics (formerly Invitae), Labcorp
Classification: Likely benign for Familial adenomatous polyposis 1. Last evaluated: 2025-09-03. Review status: criteria provided, single submitter. Criteria: Invitae Variant Classification Sherloc (09022015). Collection method: clinical testing. Allele origin: germline.

Myriad Genetics, Inc.
Classification: Benign for Familial adenomatous polyposis 1. Last evaluated: 2024-03-26. Review status: criteria provided, single submitter. Criteria: Myriad Autosomal Dominant, Autosomal Recessive and X-Linked Classification Criteria (2023). Collection method: clinical testing. Allele origin: unknown.
Comment: This variant is considered benign. This variant is a silent/synonymous amino acid change and it is not expected to impact splicing.

All of Us Research Program, National Institutes of Health
Classification: Likely benign for Classic or attenuated familial adenomatous polyposis. Last evaluated: 2023-12-01. Review status: criteria provided, single submitter. Criteria: ACMG Guidelines, 2015. Collection method: clinical testing. Allele origin: germline. Inheritance: Autosomal dominant inheritance. Observed: 3 variant alleles, 3 heterozygotes.
Comment: This study involves interpretation of variants in research participants for the purpose of population health screening. Participant phenotype was not available at the time of variant classification. Additional details can be found in publication PMID: 35346344, PMCID: PMC8962531

Color Diagnostics, LLC DBA Color Health
Classification: Likely benign for Hereditary cancer-predisposing syndrome. Last evaluated: 2017-08-14. Review status: criteria provided, single submitter. Criteria: ACMG Guidelines, 2015. Collection method: clinical testing. Allele origin: germline.

Ambry Genetics
Classification: Likely benign for Hereditary cancer-predisposing syndrome. Last evaluated: 2015-05-14. Review status: criteria provided, single submitter. Criteria: Ambry Variant Classification Scheme 2023. Collection method: clinical testing. Allele origin: germline.

NM_000038.6(APC):c.4365T>C (p.Asn1455=)

Gene: APC (APC regulator of Wnt signaling pathway; plus strand). Cytogenetic location: 5q22.2.
Variant type: single nucleotide variant.
Coding change: c.4365T>C on transcript NM_000038.6 (MANE Select); coding-DNA position 4365, T replaced by C.
Protein change: p.Asn1455=; no amino-acid change (asparagine 1455 retained).
Molecular consequence: synonymous variant.
Genome position (GRCh38, 1-based): chr5:112,839,959, T>C. VCF-style: chr5-112839959-T-C. GRCh37 (hg19) VCF-style: chr5-112175656-T-C.
Other names: c.4365T>C, p.Asn1455= (NM_001127510.3, NM_001354895.2); c.4311T>C, p.Asn1437= (NM_001127511.3); c.4419T>C, p.Asn1473= (NM_001354896.2); c.4395T>C, p.Asn1465= (NM_001354897.2); c.4290T>C, p.Asn1430= (NM_001354898.2); c.4281T>C, p.Asn1427= (NM_001354899.2); c.4242T>C, p.Asn1414= (NM_001354900.2); c.4188T>C, p.Asn1396= (NM_001354901.2); and 5 more.
Identifiers: ClinVar variation 231910 (VCV000231910.20), dbSNP rs568891310, ClinGen allele CA038827.
Genomic context (GRCh38, chr5:112,839,959, plus strand): 5'-AAGTAAAACACCTCCACCACCTCCTCAAACAGCTCAAACCAAGCGAGAAGTACCTAAAAA[T>C]AAAGCACCTACTGCTGAAAAGAGAGAGAGTGGACCTAAGCAAGCTGCAGTAAATGCTGCA-3'
Protein context (NP_000029.2, residues 1445-1465): TAQTKREVPK[Asn1455=]KAPTAEKRES